The following is an entry in ClinVar:

ClinVar aggregate classification (germline): Pathogenic (1 of 4 stars; one submission).

Conditions:
Asphyxiating thoracic dystrophy 3. Also called: SHORT-RIB THORACIC DYSPLASIA 3 WITH OR WITHOUT POLYDACTYLY; POLYDACTYLY WITH NEONATAL CHONDRODYSTROPHY, TYPE I; SHORT-RIB THORACIC DYSPLASIA 3/6 WITH POLYDACTYLY, DIGENIC; Short rib polydactyly syndrome 2B; Saldino-Noonan Syndrome. Identifiers: Orphanet 474, Orphanet 93269, Orphanet 93270, Orphanet 93271, MedGen C0036069, MONDO:0013127, OMIM 613091.

Submission:

Myriad Genetics, Inc.
Classification: Pathogenic for Asphyxiating thoracic dystrophy 3. Last evaluated: 2026-02-21. Review status: criteria provided, single submitter. Criteria: Myriad Autosomal Dominant, Autosomal Recessive and X-Linked Classification Criteria (2023). Collection method: clinical testing. Allele origin: unknown.
Comment: NM_001377.2(DYNC2H1):c.11254C>T(Q3752*) is expected to be pathogenic in the context of DYNC2H1-related disorders. This variant is predicted to lead to an abnormal or absent protein product due to the creation of a premature termination codon in DYNC2H1, a gene where loss-of-function variants are known to be pathogenic. Please note: this variant was assessed in the context of healthy population screening.

NM_001377.3(DYNC2H1):c.11254C>T (p.Gln3752Ter)

Gene: DYNC2H1 (dynein cytoplasmic 2 heavy chain 1; plus strand). Cytogenetic location: 11q22.3.
Variant type: single nucleotide variant.
Coding change: c.11254C>T on transcript NM_001377.3 (MANE Select); coding-DNA position 11254, C replaced by T.
Protein change: p.Gln3752Ter; replaces glutamine 3752 with a stop codon.
Molecular consequence: nonsense.
Genome position (GRCh38, 1-based): chr11:103,303,251, C>T. VCF-style: chr11-103303251-C-T. GRCh37 (hg19) VCF-style: chr11-103173980-C-T.
Other names: c.11275C>T, p.Gln3759Ter (NM_001080463.2); short protein forms Q3752*, Q3759*.
Identifiers: ClinVar variation 5015586 (VCV005015586.1).
Genomic context (GRCh38, chr11:103,303,251, plus strand): 5'-GATCCTTCTCAGGAACTTCAAGAACTAGCTAATGCTGAAAGAAGCGGAGAGTGTTATCAC[C>T]AGGTAAGTACATATTGTCCCGCTGTTTTTGTTTTTGCTATTGCTGTTCCCACACTTGATG-3'